The following is an entry in ClinVar:

ClinVar aggregate classification (germline): Uncertain significance (1 of 4 stars; one submission).

Conditions:
Hereditary cancer-predisposing syndrome. Also called: Neoplastic Syndromes, Hereditary; Hereditary Cancer Syndrome; Hereditary neoplastic syndrome; Tumor predisposition. Identifiers: Orphanet 140162, MedGen C0027672, MeSH D009386, MONDO:0015356.

Submission:

Ambry Genetics
Classification: Uncertain significance for Hereditary cancer-predisposing syndrome. Last evaluated: 2023-06-11. Review status: criteria provided, single submitter. Criteria: Ambry Variant Classification Scheme 2023. Collection method: clinical testing. Allele origin: germline.
Comment: The p.S463A variant (also known as c.1387T>G), located in coding exon 11 of the PMS2 gene, results from a T to G substitution at nucleotide position 1387. The serine at codon 463 is replaced by alanine, an amino acid with similar properties. This amino acid position is conserved. In addition, this alteration is predicted to be tolerated by in silico analysis. Since supporting evidence is limited at this time, the clinical significance of this alteration remains unclear.

NM_000535.7(PMS2):c.1387T>G (p.Ser463Ala)

Gene: PMS2 (PMS1 homolog 2, mismatch repair system component; minus strand). Cytogenetic location: 7p22.1.
Variant type: single nucleotide variant.
Coding change: c.1387T>G on transcript NM_000535.7 (MANE Select); coding-DNA position 1387, T replaced by G.
Protein change: p.Ser463Ala; replaces serine 463 with alanine.
Molecular consequence: missense variant. On other transcripts: non-coding transcript variant (1), intron variant (1).
Genome position (GRCh38, 1-based): chr7:5,987,378, A>C on the plus strand (T>G on the coding strand, the complement: PMS2 is on the minus strand). VCF-style: chr7-5987378-A-C. GRCh37 (hg19) VCF-style: chr7-6027009-A-C.
Other names: c.982T>G, p.Ser328Ala (NM_001018040.1, NM_001322003.2, NM_001322004.2 and 17 more transcripts); c.1231T>G, p.Ser411Ala (NM_001322006.2, NM_001406870.1); c.1069T>G, p.Ser357Ala (NM_001322007.2, NM_001322008.2, NM_001406876.1 and 2 more transcripts); c.826T>G, p.Ser276Ala (NM_001322010.2, NM_001406906.1, NM_001406907.1); c.454T>G, p.Ser152Ala (NM_001322011.2, NM_001322012.2); c.814T>G, p.Ser272Ala (NM_001322013.2, NM_001406909.1); c.1387T>G, p.Ser463Ala (NM_001322014.2, NM_001406871.1, NM_001406872.1); c.1078T>G, p.Ser360Ala (NM_001322015.2, NM_001406875.1, NM_001406877.1 and 5 more transcripts); and 13 more; short protein forms S152A, S206A, S360A, S397A, S276A, S308A, S355A, S357A.
Identifiers: ClinVar variation 2566089 (VCV002566089.2), dbSNP rs2128731803, ClinGen allele CA366742163.
Genomic context (GRCh38, chr7:5,987,378, plus strand): 5'-CACTGGGTCCGTGACTGGAACTCACTGCCTCTTTCTGAGGTCTCAGGACGCCTTTGTCAG[A>C]GATGGCACCTGAAGTGCTAGAAGACAGCATACCCCTTTTCTGTCCTAGAGGGCTCCTTCT-3'
Protein context (NP_000526.2, residues 453-473): MLSSSTSGAI[Ser463Ala]DKGVLRPQKE